The following is an entry in ClinVar:

NM_001122659.3(EDNRB):c.242C>T (p.Pro81Leu)

Gene: EDNRB (endothelin receptor type B; minus strand). Cytogenetic location: 13q22.3.
Variant type: single nucleotide variant.
Coding change: c.242C>T on transcript NM_001122659.3 (MANE Select); coding-DNA position 242, C replaced by T.
Protein change: p.Pro81Leu; replaces proline 81 with leucine.
Molecular consequence: missense variant.
Genome position (GRCh38, 1-based): chr13:77,918,332, G>A on the plus strand (C>T on the coding strand, the complement: EDNRB is on the minus strand). VCF-style: chr13-77918332-G-A. GRCh37 (hg19) VCF-style: chr13-78492467-G-A.
Other names: c.242C>T, p.Pro81Leu (NM_000115.5, NM_003991.4); c.512C>T, p.Pro171Leu (NM_001201397.2); short protein forms P171L, P81L.
Identifiers: ClinVar variation 1314737 (VCV001314737.7), dbSNP rs756427784, ClinGen allele CA7012373.

ClinVar aggregate classification (germline): Uncertain significance. Review status: criteria provided, multiple submitters, no conflicts (2 of 4 stars). 2 submissions from 2 submitters: Uncertain significance (2). Last evaluated 2022-06-18.

Allele frequency attached by ClinVar (database versions not stated): gnomAD exomes below 0.00001 and 0.00001; ExAC 0.00001; TOPMed 0.00001.

Submissions (2):

Labcorp Genetics (formerly Invitae), Labcorp
Classification: Uncertain significance. Last evaluated: 2022-06-18. Review status: criteria provided, single submitter. Criteria: Invitae Variant Classification Sherloc (09022015). Collection method: clinical testing. Allele origin: germline.
Comment: ClinVar contains an entry for this variant (Variation ID: 1314737). This variant has not been reported in the literature in individuals affected with EDNRB-related conditions. This variant is present in population databases (rs756427784, gnomAD 0.004%). This sequence change replaces proline, which is neutral and non-polar, with leucine, which is neutral and non-polar, at codon 81 of the EDNRB protein (p.Pro81Leu). Algorithms developed to predict the effect of missense changes on protein structure and function (SIFT, PolyPhen-2, Align-GVGD) all suggest that this variant is likely to be tolerated. In summary, the available evidence is currently insufficient to determine the role of this variant in disease. Therefore, it has been classified as a Variant of Uncertain Significance.

GeneDx
Classification: Uncertain significance. Last evaluated: 2022-05-17. Review status: criteria provided, single submitter. Criteria: GeneDx Variant Classification Process June 2021. Collection method: clinical testing. Allele origin: germline. Affected: yes.
Comment: Not observed at a significant frequency in large population cohorts (gnomAD); In silico analysis supports that this missense variant does not alter protein structure/function; Has not been previously published as pathogenic or benign to our knowledge